The following is an entry in ClinVar:

ClinVar aggregate classification (germline): Uncertain significance (1 of 4 stars; one submission).

Conditions:
Leukocyte adhesion deficiency 3. Also called: INTEGRIN ACTIVATION DEFICIENCY DISEASE; LEUKOCYTE ADHESION DEFICIENCY 1 VARIANT; Leukocyte adhesion deficiency, type III. Identifiers: Orphanet 2968, Orphanet 99844, MedGen C2748536, MONDO:0013016, OMIM 612840.

gnomAD v4.1: 25 of 1,607,562 alleles (0.0016%); highest among the groups gnomAD compares: East Asian, 0.0045%; no homozygotes.

Submission:

Labcorp Genetics (formerly Invitae), Labcorp
Classification: Uncertain significance for Leukocyte adhesion deficiency 3. Last evaluated: 2025-07-14. Review status: criteria provided, single submitter. Criteria: Invitae Variant Classification Sherloc (09022015). Collection method: clinical testing. Allele origin: germline.
Comment: This sequence change replaces threonine, which is neutral and polar, with methionine, which is neutral and non-polar, at codon 478 of the FERMT3 protein (p.Thr478Met). The frequency data for this variant in the population databases is considered unreliable, as metrics indicate poor data quality at this position in the gnomAD database. This variant has not been reported in the literature in individuals affected with FERMT3-related conditions. Invitae Evidence Modeling of protein sequence and biophysical properties (such as structural, functional, and spatial information, amino acid conservation, physicochemical variation, residue mobility, and thermodynamic stability) indicates that this missense variant is not expected to disrupt FERMT3 protein function with a negative predictive value of 80%. In summary, the available evidence is currently insufficient to determine the role of this variant in disease. Therefore, it has been classified as a Variant of Uncertain Significance.

NM_031471.6(FERMT3):c.1433C>T (p.Thr478Met)

Gene: FERMT3 (FERM domain containing kindlin 3; plus strand). Cytogenetic location: 11q13.1.
Variant type: single nucleotide variant.
Coding change: c.1433C>T on transcript NM_031471.6 (MANE Select); coding-DNA position 1433, C replaced by T.
Protein change: p.Thr478Met; replaces threonine 478 with methionine.
Molecular consequence: missense variant.
Genome position (GRCh38, 1-based): chr11:64,220,557, C>T. VCF-style: chr11-64220557-C-T. GRCh37 (hg19) VCF-style: chr11-63988029-C-T.
Other names: c.1433C>T, p.Thr478Met (NM_001382361.1, NM_001382448.1); c.1445C>T, p.Thr482Met (NM_001382362.1, NM_178443.3); c.893C>T, p.Thr298Met (NM_001382363.1); c.905C>T, p.Thr302Met (NM_001382364.1); short protein forms T298M, T302M, T482M, T478M.
Identifiers: ClinVar variation 4753550 (VCV004753550.1).